The following is an entry in ClinVar:

ClinVar aggregate classification (germline): Conflicting classifications of pathogenicity. Review status: criteria provided, conflicting classifications (1 of 4 stars). 2 submissions from 2 submitters: Uncertain significance (1); Likely benign (1). Last evaluated 2024-05-29.

Conditions:
Familial temporal lobe epilepsy 7. Identifiers: Orphanet 101046, MedGen C4225327, MONDO:0014639, OMIM 616436.
Norman-Roberts syndrome (LIS2). Also called: Lissencephaly 2 (Norman-Roberts type). Identifiers: Orphanet 89844, MedGen C0796089, MONDO:0009760, OMIM 257320.

Allele frequency attached by ClinVar (database versions not stated): gnomAD below 0.00001 and 0.00003; TOPMed 0.00001; gnomAD exomes 0.00012; ExAC 0.00015; 1000 Genomes Project 30x 0.00062; 1000 Genomes Project 0.00080.
gnomAD v4.1: 114 of 1,614,106 alleles (0.0071%); highest among the groups gnomAD compares: South Asian, 0.12%; 1 homozygote.

Submissions (2):

Labcorp Genetics (formerly Invitae), Labcorp
Classification: Likely benign for Familial temporal lobe epilepsy 7; Norman-Roberts syndrome. Last evaluated: 2024-05-29. Review status: criteria provided, single submitter. Criteria: Invitae Variant Classification Sherloc (09022015). Collection method: clinical testing. Allele origin: germline.

GeneDx
Classification: Uncertain significance. Last evaluated: 2022-02-08. Review status: criteria provided, single submitter. Criteria: GeneDx Variant Classification Process June 2021. Collection method: clinical testing. Allele origin: germline. Affected: yes.
Comment: In silico analysis supports that this missense variant has a deleterious effect on protein structure/function; Has not been previously published as pathogenic or benign to our knowledge

NM_005045.4(RELN):c.9796C>T (p.Pro3266Ser)

Genes: RELN (reelin; minus strand), SLC26A5-AS1 (SLC26A5 antisense RNA 1; plus strand). Cytogenetic location: 7q22.1.
Variant type: single nucleotide variant.
Coding change: c.9796C>T on transcript NM_005045.4 (MANE Select); coding-DNA position 9796, C replaced by T.
Protein change: p.Pro3266Ser; replaces proline 3266 with serine.
Molecular consequence: missense variant.
Genome position (GRCh38, 1-based): chr7:103,486,384, G>A on the plus strand (C>T on the coding strand, the complement: RELN is on the minus strand). VCF-style: chr7-103486384-G-A. GRCh37 (hg19) VCF-style: chr7-103126831-G-A.
Other names: c.9796C>T, p.Pro3266Ser (NM_173054.3); short protein forms P3266S.
Identifiers: ClinVar variation 647833 (VCV000647833.8), dbSNP rs544906913, ClinGen allele CA4420116.